The following is an entry in ClinVar:

NM_001130438.3(SPTAN1):c.2572G>T (p.Ala858Ser)

Gene: SPTAN1 (spectrin alpha, non-erythrocytic 1; plus strand). Cytogenetic location: 9q34.11.
Variant type: single nucleotide variant.
Coding change: c.2572G>T on transcript NM_001130438.3 (MANE Select); coding-DNA position 2572, G replaced by T.
Protein change: p.Ala858Ser; replaces alanine 858 with serine.
Molecular consequence: missense variant.
Genome position (GRCh38, 1-based): chr9:128,585,759, G>T. VCF-style: chr9-128585759-G-T. GRCh37 (hg19) VCF-style: chr9-131348038-G-T.
Other names: c.2572G>T, p.Ala858Ser (NM_001195532.2, NM_001363759.2, NM_001363765.2 and 5 more transcripts); c.2608G>T, p.Ala870Ser (NM_001375312.2, NM_001375318.1); short protein forms A858S, A870S.
Identifiers: ClinVar variation 530408 (VCV000530408.12), dbSNP rs1185428521, ClinGen allele CA375058064.

ClinVar aggregate classification (germline): Uncertain significance. Review status: criteria provided, multiple submitters, no conflicts (2 of 4 stars). 3 submissions from 3 submitters: Uncertain significance (2). 1 of the submissions does not count toward it. Last evaluated 2024-06-21.

Conditions:
Early-infantile DEE. Also called: Early infantile epileptic encephalopathy; Early infantile epileptic encephalopathy with suppression bursts; Ohtahara syndrome. Identifiers: Orphanet 1934, MedGen C0393706, MONDO:0800491.

Allele frequency attached by ClinVar (database versions not stated): TOPMed 0.00001; gnomAD exomes 0.00002; gnomAD 0.00003.
gnomAD v4.1: 35 of 1,614,002 alleles (0.0022%); highest among the groups gnomAD compares: Non-Finnish European, 0.0029%; no homozygotes.

Submissions (3):

Women's Health and Genetics/Laboratory Corporation of America, LabCorp
Classification: Uncertain significance. Last evaluated: 2024-06-21. Review status: criteria provided, single submitter. Criteria: LabCorp Variant Classification Summary - May 2015. Collection method: clinical testing. Allele origin: germline.
Comment: Variant summary: SPTAN1 c.2572G>T (p.Ala858Ser) results in a conservative amino acid change in the encoded protein sequence. Four of five in-silico tools predict a benign effect of the variant on protein function. The variant allele was found at a frequency of 1.6e-05 in 251122 control chromosomes. c.2572G>T has been reported in the literature in the heterozygous state in at least 2 individuals affected with clinical features of SPTAN1-related hereditary spastic paraplegia (example, Leveille_2019). These data indicate that the variant may be associated with disease. To our knowledge, no experimental evidence demonstrating an impact on protein function has been reported. The following publication has been ascertained in the context of this evaluation (PMID: 31515523). ClinVar contains an entry for this variant (Variation ID: 530408). Based on the evidence outlined above, the variant was classified as VUS-possibly pathogenic.

Labcorp Genetics (formerly Invitae), Labcorp
Classification: Uncertain significance for Early-infantile DEE. Last evaluated: 2017-09-12. Review status: criteria provided, single submitter. Criteria: Invitae Variant Classification Sherloc (09022015). Collection method: clinical testing. Allele origin: germline.
Comment: This sequence change replaces alanine with serine at codon 858 of the SPTAN1 protein (p.Ala858Ser). The alanine residue is highly conserved and there is a moderate physicochemical difference between alanine and serine. This variant is not present in population databases (ExAC no frequency). This variant has not been reported in the literature in individuals with SPTAN1-related disease. Algorithms developed to predict the effect of missense changes on protein structure and function output the following: SIFT: "Tolerated"; PolyPhen-2: "Benign"; Align-GVGD: "Class C0". The serine amino acid residue is found in multiple mammalian species, suggesting that this missense change does not adversely affect protein function. These predictions have not been confirmed by published functional studies and their clinical significance is uncertain. In summary, the available evidence is currently insufficient to determine the role of this variant in disease. Therefore, it has been classified as a Variant of Uncertain Significance.

OMIM
Classification: Uncertain significance for VARIANT OF UNKNOWN SIGNIFICANCE. Last evaluated: 2023-11-08. Review status: no assertion criteria provided. Collection method: literature only. Allele origin: germline. Not counted in ClinVar's aggregate classification.

Literature cited by the submitters: PubMed 31515523 (cited by Women's Health and Genetics/Laboratory Corporation of America, LabCorp and OMIM).